The following is an entry in ClinVar:

NM_032802.4(SPPL2A):c.73G>A (p.Ala25Thr)

Gene: SPPL2A (signal peptide peptidase like 2A; minus strand). Cytogenetic location: 15q21.2.
Variant type: single nucleotide variant.
Coding change: c.73G>A on transcript NM_032802.4 (MANE Select); coding-DNA position 73, G replaced by A.
Protein change: p.Ala25Thr; replaces alanine 25 with threonine.
Molecular consequence: missense variant.
Genome position (GRCh38, 1-based): chr15:50,749,740, C>T on the plus strand (G>A on the coding strand, the complement: SPPL2A is on the minus strand). VCF-style: chr15-50749740-C-T. GRCh37 (hg19) VCF-style: chr15-51041937-C-T.
Other names: c.73G>A, p.Ala25Thr (NM_001438111.1, NM_001438112.1); short protein forms A25T.
Identifiers: ClinVar variation 4693034 (VCV004693034.1).

ClinVar aggregate classification (germline): Uncertain significance (1 of 4 stars; one submission).

Submission:

Labcorp Genetics (formerly Invitae), Labcorp
Classification: Uncertain significance. Last evaluated: 2025-09-10. Review status: criteria provided, single submitter. Criteria: Invitae Variant Classification Sherloc (09022015). Collection method: clinical testing. Allele origin: germline.
Comment: This sequence change replaces alanine, which is neutral and non-polar, with threonine, which is neutral and polar, at codon 25 of the SPPL2A protein (p.Ala25Thr). This variant is present in population databases (rs374455511, gnomAD 0.01%). This variant has not been reported in the literature in individuals affected with SPPL2A-related conditions. An algorithm developed to predict the effect of missense changes on protein structure and function (PolyPhen-2) suggests that this variant is likely to be disruptive. In summary, the available evidence is currently insufficient to determine the role of this variant in disease. Therefore, it has been classified as a Variant of Uncertain Significance.